The following is an entry in ClinVar:

NM_031407.7(HUWE1):c.11781G>A (p.Thr3927=)

Gene: HUWE1 (HECT, UBA and WWE domain containing E3 ubiquitin protein ligase 1; minus strand). Cytogenetic location: Xp11.22.
Variant type: single nucleotide variant.
Coding change: c.11781G>A on transcript NM_031407.7 (MANE Select); coding-DNA position 11781, G replaced by A.
Protein change: p.Thr3927=; no amino-acid change (threonine 3927 retained).
Molecular consequence: synonymous variant.
Genome position (GRCh38, 1-based): chrX:53,538,932, C>T on the plus strand (G>A on the coding strand, the complement: HUWE1 is on the minus strand). VCF-style: chrX-53538932-C-T. GRCh37 (hg19) VCF-style: chrX-53565893-C-T.
Identifiers: ClinVar variation 1741160 (VCV001741160.21), dbSNP rs782369956, ClinGen allele CA10421330.

ClinVar aggregate classification (germline): Benign/Likely benign. Review status: criteria provided, multiple submitters, no conflicts (2 of 4 stars). 4 submissions from 4 submitters: Benign (1); Likely benign (3). Last evaluated 2024-12-01.

Conditions:
Inborn genetic diseases. Identifiers: MedGen C0950123, MeSH D030342.

Allele frequency attached by ClinVar (database versions not stated): ExAC 0.00001; gnomAD 0.00001; gnomAD exomes 0.00001; TOPMed 0.00001.
gnomAD v4.1: 9 of 1,205,261 alleles (0.00075%); highest among the groups gnomAD compares: Admixed American, 0.011%; no homozygotes.

Submissions (4):

CeGaT Center for Human Genetics Tuebingen
Classification: Likely benign. Last evaluated: 2024-12-01. Review status: criteria provided, single submitter. Criteria: CeGaT Center For Human Genetics Tuebingen Variant Classification Criteria Version 2. Collection method: clinical testing. Allele origin: germline. Affected: yes. Observed: 1 variant allele.
Comment: HUWE1: BP4, BP7

Labcorp Genetics (formerly Invitae), Labcorp
Classification: Benign. Last evaluated: 2024-10-22. Review status: criteria provided, single submitter. Criteria: Invitae Variant Classification Sherloc (09022015). Collection method: clinical testing. Allele origin: germline.

Blueprint Genetics
Classification: Likely benign. Last evaluated: 2020-09-09. Review status: criteria provided, single submitter. Criteria: ACMG Guidelines, 2015. Collection method: clinical testing. Allele origin: germline.

Ambry Genetics
Classification: Likely benign for Inborn genetic diseases. Last evaluated: 2018-07-25. Review status: criteria provided, single submitter. Criteria: Ambry Variant Classification Scheme 2023. Collection method: clinical testing. Allele origin: germline.